The following is an entry in ClinVar:

NM_012208.4(HARS2):c.1039C>G (p.Gln347Glu)

Gene: HARS2 (histidyl-tRNA synthetase 2, mitochondrial; plus strand). Cytogenetic location: 5q31.3.
Variant type: single nucleotide variant.
Coding change: c.1039C>G on transcript NM_012208.4 (MANE Select); coding-DNA position 1039, C replaced by G.
Protein change: p.Gln347Glu; replaces glutamine 347 with glutamic acid.
Molecular consequence: missense variant.
Genome position (GRCh38, 1-based): chr5:140,697,248, C>G. VCF-style: chr5-140697248-C-G. GRCh37 (hg19) VCF-style: chr5-140076833-C-G.
Other names: c.964C>G, p.Gln322Glu (NM_001278731.2); c.607C>G, p.Gln203Glu (NM_001278732.2); c.1057C>G, p.Gln353Glu (NM_001363535.2); c.829C>G, p.Gln277Glu (NM_001363536.2); c.1039C>G (NM_012208.2); short protein forms Q203E, Q277E, Q322E, Q347E, Q353E.
Identifiers: ClinVar variation 3237486 (VCV003237486.3), dbSNP rs372191938.

ClinVar aggregate classification (germline): Uncertain significance. Review status: criteria provided, multiple submitters, no conflicts (2 of 4 stars). 2 submissions from 2 submitters: Uncertain significance (2). Last evaluated 2026-09-14.

Conditions:
Perrault syndrome 2 (PRLTS2). Identifiers: Orphanet 2855, Orphanet 642976, MedGen C3554105, MONDO:0013972, OMIM 614926.

Allele frequency attached by ClinVar (database versions not stated): TOPMed 0.00006; gnomAD 0.00007; ESP Exome Variant Server 0.00008; gnomAD exomes 0.00008; ExAC 0.00013.
gnomAD v4.1: 125 of 1,614,068 alleles (0.0077%); highest among the groups gnomAD compares: Non-Finnish European, 0.01%; no homozygotes.

Submissions (2):

GeneDx
Classification: Uncertain significance. Last evaluated: 2026-09-14. Review status: criteria provided, single submitter. Criteria: GeneDx Variant Classification Process June 2021. Collection method: clinical testing. Allele origin: germline.
Comment: In silico analysis suggests that this missense variant does not alter protein structure/function; Has not been previously published as pathogenic or benign to our knowledge

Baylor Genetics
Classification: Uncertain significance for Perrault syndrome 2. Last evaluated: 2024-01-22. Review status: criteria provided, single submitter. Criteria: ACMG Guidelines, 2015. Collection method: clinical testing. Allele origin: unknown.